The following is an entry in ClinVar:

ClinVar aggregate classification (germline): Uncertain significance. Review status: criteria provided, multiple submitters, no conflicts (2 of 4 stars). 2 submissions from 2 submitters: Uncertain significance (2). Last evaluated 2024-08-18.

Allele frequency attached by ClinVar (database versions not stated): gnomAD exomes 0.00001; ESP Exome Variant Server 0.00008.
gnomAD v4.1: 7 of 1,609,544 alleles (0.00043%); highest among the groups gnomAD compares: Non-Finnish European, 0.0006%; no homozygotes.

Submissions (2):

Labcorp Genetics (formerly Invitae), Labcorp
Classification: Uncertain significance. Last evaluated: 2024-08-18. Review status: criteria provided, single submitter. Criteria: Invitae Variant Classification Sherloc (09022015). Collection method: clinical testing. Allele origin: germline.
Comment: This sequence change replaces valine, which is neutral and non-polar, with isoleucine, which is neutral and non-polar, at codon 538 of the SLC1A2 protein (p.Val538Ile). This variant is present in population databases (rs141600268, gnomAD 0.0009%). This variant has not been reported in the literature in individuals affected with SLC1A2-related conditions. An algorithm developed to predict the effect of missense changes on protein structure and function (PolyPhen-2) suggests that this variant is likely to be tolerated. In summary, the available evidence is currently insufficient to determine the role of this variant in disease. Therefore, it has been classified as a Variant of Uncertain Significance.

CeGaT Center for Human Genetics Tuebingen
Classification: Uncertain significance. Last evaluated: 2024-03-01. Review status: criteria provided, single submitter. Criteria: CeGaT Center For Human Genetics Tuebingen Variant Classification Criteria Version 2. Collection method: clinical testing. Allele origin: germline. Affected: yes. Observed: 1 variant allele.
Comment: SLC1A2: PM2

NM_004171.4(SLC1A2):c.1612G>A (p.Val538Ile)

Gene: SLC1A2 (solute carrier family 1 member 2; minus strand). Cytogenetic location: 11p13.
Variant type: single nucleotide variant.
Coding change: c.1612G>A on transcript NM_004171.4 (MANE Select); coding-DNA position 1612, G replaced by A.
Protein change: p.Val538Ile; replaces valine 538 with isoleucine.
Molecular consequence: missense variant.
Genome position (GRCh38, 1-based): chr11:35,265,568, C>T on the plus strand (G>A on the coding strand, the complement: SLC1A2 is on the minus strand). VCF-style: chr11-35265568-C-T. GRCh37 (hg19) VCF-style: chr11-35287115-C-T.
Other names: c.1585G>A, p.Val529Ile (NM_001195728.3, NM_001252652.2); short protein forms V529I, V538I.
Identifiers: ClinVar variation 2907794 (VCV002907794.24), dbSNP rs141600268, ClinGen allele CA220480780.
Genomic context (GRCh38, chr11:35,265,568, plus strand): 5'-CCATGAATGGGAAATGTACCTTGCATTCATCTACTATGACAGAGTTGTGTGCAGCATAGA[C>T]ACATTGATTAGAGTTGCTTTCCCTGTGGTTCTTCATGTCATCATAAATGGATTGAGTCTT-3'
Protein context (NP_004162.2, residues 528-548): NHRESNSNQC[Val538Ile]YAAHNSVIVD